The following is an entry in ClinVar:

ClinVar aggregate classification (germline): Benign/Likely benign. Review status: criteria provided, multiple submitters, no conflicts (2 of 4 stars). 4 submissions from 4 submitters: Benign (2); Likely benign (2). Last evaluated 2026-08-01.

Conditions:
Congenital heart disease (CHD). Identifiers: MedGen C0152021, MONDO:0005453. Disease mechanism: unknown.
HOXA13-related disorder. Also called: HOXA13-related condition.

Submissions (4):

CeGaT Center for Human Genetics Tuebingen
Classification: Benign. Last evaluated: 2026-08-01. Review status: criteria provided, single submitter. Criteria: CeGaT Center For Human Genetics Tuebingen Variant Classification Criteria Version 2. Collection method: clinical testing. Allele origin: germline. Affected: yes. Observed: 1 variant allele.
Comment: HOXA13: BS1, BS2

Labcorp Genetics (formerly Invitae), Labcorp
Classification: Likely benign. Last evaluated: 2025-12-11. Review status: criteria provided, single submitter. Criteria: Invitae Variant Classification Sherloc (09022015). Collection method: clinical testing. Allele origin: germline.

PreventionGenetics, part of Exact Sciences
Classification: Likely benign for HOXA13-related condition. Last evaluated: 2025-10-17. Review status: criteria provided, single submitter. Criteria: ACMG Guidelines, 2015. Collection method: clinical testing. Allele origin: germline.
Comment: This variant is classified as likely benign based on ACMG/AMP sequence variant interpretation guidelines (Richards et al. 2015 PMID: 25741868, with internal and published modifications).

Cambridge Genomics Laboratory, East Genomic Laboratory Hub, NHS Genomic Medicine Service
Classification: Benign for Congenital heart disease. Last evaluated: 2020-04-28. Review status: criteria provided, single submitter. Criteria: ACGS Best Practice Guidelines for Variant Classification in Rare Disease 2020. Collection method: clinical testing. Allele origin: germline. Affected: yes. Observed: 1 variant allele.

NM_000522.5(HOXA13):c.598GCC[7] (p.Ala205_Phe206insAla)

Genes: HOXA13 (homeobox A13; minus strand), LOC107126288 (NUP98-HOXA13 recombination region; plus strand). Cytogenetic location: 7p15.2.
Variant type: Microsatellite.
Coding change: c.598GCC[7] on transcript NM_000522.5 (MANE Select); seven copies in a row of the 3-base unit GCC starting at c.598; the reference has six copies in a row; one copy, 3 bases duplicated.
Protein change: p.Ala205_Phe206insAla.
Molecular consequence: inframe insertion.
Genome position (GRCh38, 1-based): chr7:27,199,463-27,199,465, GGC duplicated on the plus strand (GCC on the coding strand, the reverse complement: HOXA13 is on the minus strand); duplicating any 3 consecutive bases within chr7:27,199,463-27,199,480 gives the same sequence; the position shown is the placement nearest the transcript's 3' end. VCF-style (leftmost placement, unchanged base first): chr7-27199462-A-AGGC. GRCh37 (hg19) VCF-style: chr7-27239081-A-AGGC.
Other names: c.613_615dupGCC (NM_000522.4).
Identifiers: ClinVar variation 2052430 (VCV002052430.7), dbSNP rs750672289, ClinGen allele CA4198654.